The following is an entry in ClinVar:

ClinVar aggregate classification (germline): Uncertain significance (1 of 4 stars; one submission).

Conditions:
Multiple endocrine neoplasia, type 1 (MEN1). Also called: MEN I; WERMER SYNDROME; Endocrine adenomatosis multiple; MEN 1; MEA I. Identifiers: Orphanet 652, MedGen C0025267, MeSH D018761, MONDO:0007540, OMIM 131100.

Submission:

Labcorp Genetics (formerly Invitae), Labcorp
Classification: Uncertain significance for Multiple endocrine neoplasia, type 1. Last evaluated: 2025-11-16. Review status: criteria provided, single submitter. Criteria: Invitae Variant Classification Sherloc (09022015). Collection method: clinical testing. Allele origin: germline.
Comment: This sequence change replaces arginine, which is basic and polar, with proline, which is neutral and non-polar, at codon 456 of the MEN1 protein (p.Arg456Pro). This variant is not present in population databases (gnomAD no frequency). This variant has not been reported in the literature in individuals affected with MEN1-related conditions. Invitae Evidence Modeling of protein sequence and biophysical properties (such as structural, functional, and spatial information, amino acid conservation, physicochemical variation, residue mobility, and thermodynamic stability) indicates that this missense variant is not expected to disrupt MEN1 protein function with a negative predictive value of 95%. In summary, the available evidence is currently insufficient to determine the role of this variant in disease. Therefore, it has been classified as a Variant of Uncertain Significance.

NM_001370259.2(MEN1):c.1367G>C (p.Arg456Pro)

Gene: MEN1 (menin 1; minus strand). Cytogenetic location: 11q13.1.
Variant type: single nucleotide variant.
Coding change: c.1367G>C on transcript NM_001370259.2 (MANE Select); coding-DNA position 1367, G replaced by C.
Protein change: p.Arg456Pro; replaces arginine 456 with proline.
Molecular consequence: missense variant. On other transcripts: non-coding transcript variant (4).
Genome position (GRCh38, 1-based): chr11:64,804,800, C>G on the plus strand (G>C on the coding strand, the complement: MEN1 is on the minus strand). VCF-style: chr11-64804800-C-G. GRCh37 (hg19) VCF-style: chr11-64572272-C-G.
Other names: c.1367G>C, p.Arg456Pro (NM_001370260.2, NM_001370261.2, NM_130799.3 and 2 more transcripts); c.1262G>C, p.Arg421Pro (NM_001370262.2, NM_001370263.2, NM_001407148.1 and 1 more transcripts); c.1382G>C, p.Arg461Pro (NM_000244.4, NM_130800.3, NM_130801.3 and 4 more transcripts); c.1493G>C, p.Arg498Pro (NM_001370251.2, NM_001407142.1, NM_001407143.1 and 1 more transcripts); c.1508G>C, p.Arg503Pro (NM_001407150.1); c.1388G>C, p.Arg463Pro (NM_001407151.1); c.1202G>C, p.Arg401Pro (NM_001407152.1); short protein forms R401P, R421P, R456P, R461P, R463P, R498P, R503P.
Identifiers: ClinVar variation 4808636 (VCV004808636.1).
Genomic context (GRCh38, chr11:64,804,800, plus strand): 5'-CGGGCTTCCTCGCCCCACGGCTCCTCGGCCTCGGCCGCCTCGGCCTCTCGGCTCACTATG[C>G]GCACCTTCTGCCGCACCTGGGCCAGTGGGGAGAGCAAGGTGAGAGCAAGGTTGCCGGCCA-3'
Protein context (NP_001357188.2, residues 446-466): RFEGQVRQKV[Arg456Pro]IVSREAEAAE